The following is an entry in ClinVar:

ClinVar aggregate classification (germline): Uncertain significance. Review status: criteria provided, multiple submitters, no conflicts (2 of 4 stars). 2 submissions from 2 submitters: Uncertain significance (2). Last evaluated 2026-07-07.

Conditions:
Hereditary cancer-predisposing syndrome. Also called: Tumor predisposition; Hereditary Cancer Syndrome; Hereditary neoplastic syndrome; Neoplastic Syndromes, Hereditary. Identifiers: Orphanet 140162, MedGen C0027672, MeSH D009386, MONDO:0015356.
Retinoblastoma (RB1). Also called: RETINOBLASTOMA, SOMATIC. Identifiers: Orphanet 790, MedGen C0035335, MeSH D012175, MONDO:0008380, OMIM 180200, HP:0009919. Disease mechanism: loss of function. Inheritance: Both sporadic and heritable forms are tested..

Submissions (2):

Ambry Genetics
Classification: Uncertain significance for Hereditary cancer-predisposing syndrome. Last evaluated: 2026-07-07. Review status: criteria provided, single submitter. Criteria: Ambry Variant Classification Scheme 2023. Collection method: clinical testing. Allele origin: germline.
Comment: The p.S414N variant (also known as c.1241G>A), located in coding exon 13 of the RB1 gene, results from a G to A substitution at nucleotide position 1241. The serine at codon 414 is replaced by asparagine, an amino acid with highly similar properties. This amino acid position is conserved. In addition, this alteration is predicted to be tolerated by in silico analysis. Based on the available evidence, the clinical significance of this variant remains unclear.

Labcorp Genetics (formerly Invitae), Labcorp
Classification: Uncertain significance for Retinoblastoma. Last evaluated: 2022-08-23. Review status: criteria provided, single submitter. Criteria: Invitae Variant Classification Sherloc (09022015). Collection method: clinical testing. Allele origin: germline.
Comment: This variant is not present in population databases (gnomAD no frequency). This sequence change replaces serine, which is neutral and polar, with asparagine, which is neutral and polar, at codon 414 of the RB1 protein (p.Ser414Asn). This variant has not been reported in the literature in individuals affected with RB1-related conditions. ClinVar contains an entry for this variant (Variation ID: 1008260). Algorithms developed to predict the effect of missense changes on protein structure and function output the following: SIFT: "Tolerated"; PolyPhen-2: "Benign"; Align-GVGD: "Class C0". The asparagine amino acid residue is found in multiple mammalian species, which suggests that this missense change does not adversely affect protein function. In summary, the available evidence is currently insufficient to determine the role of this variant in disease. Therefore, it has been classified as a Variant of Uncertain Significance.

NM_000321.3(RB1):c.1241G>A (p.Ser414Asn)

Gene: RB1 (RB transcriptional corepressor 1; plus strand). Cytogenetic location: 13q14.2.
Variant type: single nucleotide variant.
Coding change: c.1241G>A on transcript NM_000321.3 (MANE Select); coding-DNA position 1241, G replaced by A.
Protein change: p.Ser414Asn; replaces serine 414 with asparagine.
Molecular consequence: missense variant.
Genome position (GRCh38, 1-based): chr13:48,376,943, G>A. VCF-style: chr13-48376943-G-A. GRCh37 (hg19) VCF-style: chr13-48951079-G-A.
Other names: c.1241G>A (NM_000321.2); short protein forms S414N.
Identifiers: ClinVar variation 1008260 (VCV001008260.11), dbSNP rs1952831176, ClinGen allele CA388161987.
Genomic context (GRCh38, chr13:48,376,943, plus strand): 5'-TCCTCGACATTGATTTCTGTTTTTACCTCCTAAAGAACTGCACAGTGAATCCAAAAGAAA[G>A]TATACTGAAAAGAGTGAAGGATATAGGATACATCTTTAAAGAGAAATTTGCTAAAGCTGT-3'
Protein context (NP_000312.2, residues 404-424): FNNCTVNPKE[Ser414Asn]ILKRVKDIGY